The following is an entry in ClinVar:

NM_003072.5(SMARCA4):c.4847C>T (p.Pro1616Leu)

Gene: SMARCA4 (SWI/SNF related BAF chromatin remodeling complex subunit ATPase 4; plus strand). Cytogenetic location: 19p13.2.
Variant type: single nucleotide variant.
Coding change: c.4847C>T on transcript NM_003072.5 (MANE Select); coding-DNA position 4847, C replaced by T.
Protein change: p.Pro1616Leu; replaces proline 1616 with leucine.
Molecular consequence: missense variant. On other transcripts: non-coding transcript variant (1).
Genome position (GRCh38, 1-based): chr19:11,060,123, C>T. VCF-style: chr19-11060123-C-T. GRCh37 (hg19) VCF-style: chr19-11170799-C-T.
Other names: c.4847C>T, p.Pro1616Leu (NM_001128844.3); c.4757C>T, p.Pro1586Leu (NM_001128845.2); c.4754C>T, p.Pro1585Leu (NM_001128846.2); c.4748C>T, p.Pro1583Leu (NM_001128847.4, NM_001374457.1); c.4745C>T, p.Pro1582Leu (NM_001128848.2); c.4943C>T, p.Pro1648Leu (NM_001128849.3, NM_001387283.1); c.4943C>T (NM_001128849.2); short protein forms P1648L, P1583L, P1586L, P1616L, P1582L, P1585L.
Identifiers: ClinVar variation 238496 (VCV000238496.25), dbSNP rs878854234, ClinGen allele CA10583766.

ClinVar aggregate classification (germline): Conflicting classifications of pathogenicity. Review status: criteria provided, conflicting classifications (1 of 4 stars). 10 submissions from 10 submitters: Uncertain significance (6); Likely benign (3). 1 of the submissions does not count toward it. Last evaluated 2026-07-08.

Conditions:
SMARCA4-related disorder. Also called: SMARCA4-related condition.
Hereditary cancer-predisposing syndrome. Also called: Hereditary Cancer Syndrome; Tumor predisposition; Hereditary neoplastic syndrome; Neoplastic Syndromes, Hereditary. Identifiers: Orphanet 140162, MedGen C0027672, MeSH D009386, MONDO:0015356.
Intellectual disability, autosomal dominant 16 (CSS4). Also called: COFFIN-SIRIS SYNDROME 4. Identifiers: Orphanet 1465, MedGen C3553249, MONDO:0013821, OMIM 614609.
Rhabdoid tumor predisposition syndrome 2 (RTPS2). Identifiers: Orphanet 231108, Orphanet 69077, MedGen C2750074, MONDO:0013224, OMIM 613325.

Allele frequency attached by ClinVar (database versions not stated): gnomAD 0.00004; TOPMed 0.00004; gnomAD exomes 0.00002.
gnomAD v4.1: 37 of 1,550,818 alleles (0.0024%); highest among the groups gnomAD compares: African/African-American, 0.0027%; no homozygotes.

Submissions (10):

Myriad Genetics, Inc.
Classification: Likely benign for Rhabdoid tumor predisposition syndrome 2. Last evaluated: 2026-07-08. Review status: criteria provided, single submitter. Criteria: Myriad Autosomal Dominant, Autosomal Recessive and X-Linked Classification Criteria (2023). Collection method: clinical testing. Allele origin: unknown.
Comment: This variant is considered likely benign. This variant has been observed at a population frequency that is significantly greater than expected given the associated disease prevalence and penetrance.

Labcorp Genetics (formerly Invitae), Labcorp
Classification: Uncertain significance for Rhabdoid tumor predisposition syndrome 2. Last evaluated: 2026-01-20. Review status: criteria provided, single submitter. Criteria: Invitae Variant Classification Sherloc (09022015). Collection method: clinical testing. Allele origin: germline.
Comment: This sequence change replaces proline, which is neutral and non-polar, with leucine, which is neutral and non-polar, at codon 1648 of the SMARCA4 protein (p.Pro1648Leu). This variant is present in population databases (no rsID available, gnomAD 0.005%). This variant has not been reported in the literature in individuals affected with SMARCA4-related conditions. ClinVar contains an entry for this variant (Variation ID: 238496). Invitae Evidence Modeling of protein sequence and biophysical properties (such as structural, functional, and spatial information, amino acid conservation, physicochemical variation, residue mobility, and thermodynamic stability) indicates that this missense variant is not expected to disrupt SMARCA4 protein function with a negative predictive value of 95%. In summary, the available evidence is currently insufficient to determine the role of this variant in disease. Therefore, it has been classified as a Variant of Uncertain Significance.

St. Jude Molecular Pathology, St. Jude Children's Research Hospital
Classification: Uncertain significance for Rhabdoid tumor predisposition syndrome 2. Last evaluated: 2024-12-28. Review status: criteria provided, single submitter. Criteria: St. Jude Assertion Criteria 2020. Collection method: clinical testing. Allele origin: germline.
Comment: The SMARCA4 c.4943C>T (p.Pro1648Leu) missense change has a maximum subpopulation frequency of 0.005% in gnomAD v2.1.1. The in silico tool REVEL is inconclusive about a pathogenic or benign effect of this variant on protein function, and to our knowledge functional studies have not been performed. To our knowledge, this variant has not been reported in individuals with rhabdoid tumor predisposition syndrome. In summary, the evidence currently available is insufficient to determine the clinical significance of this variant. It has therefore been classified as of uncertain significance.

Baylor Genetics
Classification: Uncertain significance for Rhabdoid tumor predisposition syndrome 2. Last evaluated: 2024-03-13. Review status: criteria provided, single submitter. Criteria: ACMG Guidelines, 2015. Collection method: clinical testing. Allele origin: unknown.

Blueprint Genetics
Classification: Likely benign. Last evaluated: 2022-09-29. Review status: criteria provided, single submitter. Criteria: ACMG Guidelines, 2015. Collection method: clinical testing. Allele origin: germline.

GeneDx
Classification: Uncertain significance. Last evaluated: 2022-04-13. Review status: criteria provided, single submitter. Criteria: GeneDx Variant Classification Process June 2021. Collection method: clinical testing. Allele origin: germline. Affected: yes.
Comment: In silico analysis supports that this missense variant does not alter protein structure/function; Has not been previously published as pathogenic or benign to our knowledge

Sema4
Classification: Uncertain significance for Hereditary cancer-predisposing syndrome. Last evaluated: 2021-11-22. Review status: criteria provided, single submitter. Criteria: Sema4 Curation Guidelines. Collection method: curation. Allele origin: germline.
Comment: The SMARCA4 c.4943C>T (p.P1648L) variant has not been reported in the literature to our knowledge. It was observed in 3/58528 chromosomes of the Non-Finnish European subpopulation in the large and broad cohorts of the Genome Aggregation Database (PMID: 32461654). The variant has been reported in ClinVar (Variation ID: 238496). Functional studies have not been performed, and in silico predictions of the variant's effect on protein function are inconclusive. The evidence is insufficient to meet ACMG/AMP criteria for classifying the variant as benign or pathogenic. Thus, the clinical significance of this variant is currently uncertain.

Genome-Nilou Lab
Classification: Uncertain significance for Intellectual disability, autosomal dominant 16. Last evaluated: 2021-07-15. Review status: criteria provided, single submitter. Criteria: ACMG Guidelines, 2015. Collection method: clinical testing. Allele origin: germline. Affected: no.

Ambry Genetics
Classification: Likely benign for Hereditary cancer-predisposing syndrome. Last evaluated: 2020-12-21. Review status: criteria provided, single submitter. Criteria: Ambry Variant Classification Scheme 2023. Collection method: clinical testing. Allele origin: germline.

PreventionGenetics, part of Exact Sciences
Classification: Likely benign for SMARCA4-related condition. Last evaluated: 2023-01-06. Review status: no assertion criteria provided. Collection method: clinical testing. Allele origin: germline. Not counted in ClinVar's aggregate classification.
Comment: This variant is classified as likely benign based on ACMG/AMP sequence variant interpretation guidelines (Richards et al. 2015 PMID: 25741868, with internal and published modifications).